The following is an entry in ClinVar:

ClinVar aggregate classification (germline): Uncertain significance. Review status: criteria provided, multiple submitters, no conflicts (2 of 4 stars). 2 submissions from 2 submitters: Uncertain significance (2). Last evaluated 2023-10-24.

Conditions:
Inborn genetic diseases. Identifiers: MedGen C0950123, MeSH D030342.

Allele frequency attached by ClinVar (database versions not stated): gnomAD 0.00001; TOPMed 0.00001; ExAC 0.00002; 1000 Genomes Project 30x 0.00016; 1000 Genomes Project 0.00020.
gnomAD v4.1: 14 of 1,614,112 alleles (0.00087%); highest among the groups gnomAD compares: Middle Eastern, 0.033%; no homozygotes.

Submissions (2):

Labcorp Genetics (formerly Invitae), Labcorp
Classification: Uncertain significance. Last evaluated: 2023-10-24. Review status: criteria provided, single submitter. Criteria: Invitae Variant Classification Sherloc (09022015). Collection method: clinical testing. Allele origin: germline.
Comment: This sequence change replaces cysteine, which is neutral and slightly polar, with tyrosine, which is neutral and polar, at codon 760 of the NRIP1 protein (p.Cys760Tyr). This variant is present in population databases (rs567962598, gnomAD 0.02%). This variant has not been reported in the literature in individuals affected with NRIP1-related conditions. ClinVar contains an entry for this variant (Variation ID: 2394793). An algorithm developed to predict the effect of missense changes on protein structure and function (PolyPhen-2) suggests that this variant is likely to be disruptive. In summary, the available evidence is currently insufficient to determine the role of this variant in disease. Therefore, it has been classified as a Variant of Uncertain Significance.

Ambry Genetics
Classification: Uncertain significance for Inborn genetic diseases. Last evaluated: 2021-09-01. Review status: criteria provided, single submitter. Criteria: Ambry Variant Classification Scheme 2023. Collection method: clinical testing. Allele origin: germline.

NM_003489.4(NRIP1):c.2279G>A (p.Cys760Tyr)

Gene: NRIP1 (nuclear receptor interacting protein 1; minus strand). Cytogenetic location: 21q11.2.
Variant type: single nucleotide variant.
Coding change: c.2279G>A on transcript NM_003489.4 (MANE Select); coding-DNA position 2279, G replaced by A.
Protein change: p.Cys760Tyr; replaces cysteine 760 with tyrosine.
Molecular consequence: missense variant.
Genome position (GRCh38, 1-based): chr21:14,965,914, C>T on the plus strand (G>A on the coding strand, the complement: NRIP1 is on the minus strand). VCF-style: chr21-14965914-C-T. GRCh37 (hg19) VCF-style: chr21-16338235-C-T.
Other names: short protein forms C760Y.
Identifiers: ClinVar variation 2394793 (VCV002394793.5), dbSNP rs567962598, ClinGen allele CA9981177.